The following is an entry in ClinVar:

NM_000038.6(APC):c.4433G>A (p.Arg1478Lys)

Gene: APC (APC regulator of Wnt signaling pathway; plus strand). Cytogenetic location: 5q22.2.
Variant type: single nucleotide variant.
Coding change: c.4433G>A on transcript NM_000038.6 (MANE Select); coding-DNA position 4433, G replaced by A.
Protein change: p.Arg1478Lys; replaces arginine 1478 with lysine.
Molecular consequence: missense variant.
Genome position (GRCh38, 1-based): chr5:112,840,027, G>A. VCF-style: chr5-112840027-G-A. GRCh37 (hg19) VCF-style: chr5-112175724-G-A.
Other names: c.4433G>A, p.Arg1478Lys (NM_001127510.3, NM_001354895.2); c.4379G>A, p.Arg1460Lys (NM_001127511.3); c.4487G>A, p.Arg1496Lys (NM_001354896.2); c.4463G>A, p.Arg1488Lys (NM_001354897.2); c.4358G>A, p.Arg1453Lys (NM_001354898.2); c.4349G>A, p.Arg1450Lys (NM_001354899.2); c.4310G>A, p.Arg1437Lys (NM_001354900.2); c.4256G>A, p.Arg1419Lys (NM_001354901.2); and 5 more; short protein forms R1195K, R1318K, R1352K, R1377K, R1387K, R1419K, R1437K, R1450K.
Identifiers: ClinVar variation 993239 (VCV000993239.5), dbSNP rs1765679703, ClinGen allele CA16031035.
Genomic context (GRCh38, chr5:112,840,027, plus strand): 5'-CTACTGCTGAAAAGAGAGAGAGTGGACCTAAGCAAGCTGCAGTAAATGCTGCAGTTCAGA[G>A]GGTCCAGGTTCTTCCAGATGCTGATACTTTATTACATTTTGCCACGGAAAGTACTCCAGA-3'
Protein context (NP_000029.2, residues 1468-1488): KQAAVNAAVQ[Arg1478Lys]VQVLPDADTL

ClinVar aggregate classification (germline): Uncertain significance. Review status: criteria provided, multiple submitters, no conflicts (2 of 4 stars). 3 submissions from 3 submitters: Uncertain significance (3). Last evaluated 2026-07-22.

Conditions:
Hereditary cancer-predisposing syndrome. Also called: Tumor predisposition; Hereditary Cancer Syndrome; Hereditary neoplastic syndrome; Neoplastic Syndromes, Hereditary. Identifiers: Orphanet 140162, MedGen C0027672, MeSH D009386, MONDO:0015356.
Familial adenomatous polyposis 1 (FAP1). Also called: POLYPOSIS, ADENOMATOUS INTESTINAL; FAMILIAL ADENOMATOUS POLYPOSIS 1, ATTENUATED. Identifiers: MedGen C2713442, MONDO:0021056, OMIM 175100. Disease mechanism: loss of function.

Submissions (3):

Ambry Genetics
Classification: Uncertain significance for Hereditary cancer-predisposing syndrome. Last evaluated: 2026-07-22. Review status: criteria provided, single submitter. Criteria: Ambry Variant Classification Scheme 2023. Collection method: clinical testing. Allele origin: germline.
Comment: The p.R1478K variant (also known as c.4433G>A), located in coding exon 15 of the APC gene, results from a G to A substitution at nucleotide position 4433. The arginine at codon 1478 is replaced by lysine, an amino acid with highly similar properties. This amino acid position is conserved. In addition, in silico predictors for this gene do not accurately predict pathogenicity. Based on the available evidence, the clinical significance of this variant remains unclear.

Labcorp Genetics (formerly Invitae), Labcorp
Classification: Uncertain significance for Familial adenomatous polyposis 1. Last evaluated: 2026-01-06. Review status: criteria provided, single submitter. Criteria: Invitae Variant Classification Sherloc (09022015). Collection method: clinical testing. Allele origin: germline.
Comment: This sequence change replaces arginine, which is basic and polar, with lysine, which is basic and polar, at codon 1478 of the APC protein (p.Arg1478Lys). This variant is not present in population databases (gnomAD no frequency). This variant has not been reported in the literature in individuals affected with APC-related conditions. ClinVar contains an entry for this variant (Variation ID: 993239). Invitae Evidence Modeling of protein sequence and biophysical properties (such as structural, functional, and spatial information, amino acid conservation, physicochemical variation, residue mobility, and thermodynamic stability) indicates that this missense variant is not expected to disrupt APC protein function with a negative predictive value of 95%. In summary, the available evidence is currently insufficient to determine the role of this variant in disease. Therefore, it has been classified as a Variant of Uncertain Significance.

Quest Diagnostics Nichols Institute San Juan Capistrano
Classification: Uncertain significance. Last evaluated: 2020-08-18. Review status: criteria provided, single submitter. Criteria: Quest Diagnostics criteria. Collection method: clinical testing. Allele origin: unknown.